The following is an entry in ClinVar:

ClinVar aggregate classification (germline): Uncertain significance (1 of 4 stars; one submission).

Conditions:
PLXNA3-related disorder. Also called: PLXNA3-related condition.

Submission:

PreventionGenetics, part of Exact Sciences
Classification: Uncertain significance for PLXNA3-related condition. Last evaluated: 2025-05-30. Review status: criteria provided, single submitter. Criteria: ACMG Guidelines, 2015. Collection method: clinical testing. Allele origin: germline.
Comment: The PLXNA3 c.1751C>A variant is predicted to result in the amino acid substitution p.Ala584Glu. To our knowledge, this variant has not been reported in the literature or in a large population database (gnomAD), indicating this variant is rare. At this time, the clinical significance of this variant is uncertain due to the absence of conclusive functional and genetic evidence.

NM_017514.5(PLXNA3):c.1751C>A (p.Ala584Glu)

Gene: PLXNA3 (plexin A3; plus strand). Cytogenetic location: Xq28.
Variant type: single nucleotide variant.
Coding change: c.1751C>A on transcript NM_017514.5 (MANE Select); coding-DNA position 1751, C replaced by A.
Protein change: p.Ala584Glu; replaces alanine 584 with glutamic acid.
Molecular consequence: missense variant.
Genome position (GRCh38, 1-based): chrX:154,464,236, C>A. VCF-style: chrX-154464236-C-A. GRCh37 (hg19) VCF-style: chrX-153692579-C-A.
Other names: short protein forms A584E.
Identifiers: ClinVar variation 4999582 (VCV004999582.1).